The following is an entry in ClinVar:

ClinVar aggregate classification (germline): Uncertain significance. Review status: criteria provided, multiple submitters, no conflicts (2 of 4 stars). 2 submissions from 2 submitters: Uncertain significance (2). Last evaluated 2025-06-18.

Conditions:
Inborn genetic diseases. Identifiers: MedGen C0950123, MeSH D030342.

Allele frequency attached by ClinVar (database versions not stated): gnomAD 0.00001; gnomAD exomes 0.00001 and 0.00002; TOPMed 0.00002.
gnomAD v4.1: 6 of 1,613,970 alleles (0.00037%); highest among the groups gnomAD compares: Admixed American, 0.01%; no homozygotes.

Submissions (2):

Ambry Genetics
Classification: Uncertain significance for Inborn genetic diseases. Last evaluated: 2025-06-18. Review status: criteria provided, single submitter. Criteria: Ambry Variant Classification Scheme 2023. Collection method: clinical testing. Allele origin: germline.

Labcorp Genetics (formerly Invitae), Labcorp
Classification: Uncertain significance. Last evaluated: 2025-01-25. Review status: criteria provided, single submitter. Criteria: Invitae Variant Classification Sherloc (09022015). Collection method: clinical testing. Allele origin: germline.
Comment: This sequence change replaces aspartic acid, which is acidic and polar, with asparagine, which is neutral and polar, at codon 588 of the VCAN protein (p.Asp588Asn). This variant is present in population databases (no rsID available, gnomAD 0.01%). This variant has not been reported in the literature in individuals affected with VCAN-related conditions. ClinVar contains an entry for this variant (Variation ID: 1036105). An algorithm developed to predict the effect of missense changes on protein structure and function (PolyPhen-2) suggests that this variant is likely to be disruptive. In summary, the available evidence is currently insufficient to determine the role of this variant in disease. Therefore, it has been classified as a Variant of Uncertain Significance.

NM_004385.5(VCAN):c.1762G>A (p.Asp588Asn)

Gene: VCAN (versican; plus strand). Cytogenetic location: 5q14.3.
Variant type: single nucleotide variant.
Coding change: c.1762G>A on transcript NM_004385.5 (MANE Select); coding-DNA position 1762, G replaced by A.
Protein change: p.Asp588Asn; replaces aspartic acid 588 with asparagine.
Molecular consequence: missense variant. On other transcripts: intron variant (2).
Genome position (GRCh38, 1-based): chr5:83,520,068, G>A. VCF-style: chr5-83520068-G-A. GRCh37 (hg19) VCF-style: chr5-82815887-G-A.
Other names: c.1762G>A, p.Asp588Asn (NM_001164098.2); c.1042+7672G>A (NM_001164097.2, NM_001126336.3); c.1762G>A (NM_004385.4); short protein forms D588N.
Identifiers: ClinVar variation 1036105 (VCV001036105.9), dbSNP rs952277242, ClinGen allele CA121791340.